The following is an entry in ClinVar:

NM_000306.4(POU1F1):c.638_642del (p.Arg213fs)

Gene: POU1F1 (POU class 1 homeobox 1; minus strand). Cytogenetic location: 3p11.2.
Variant type: Deletion.
Coding change: c.638_642del on transcript NM_000306.4 (MANE Select); coding-DNA positions 638 to 642, 5 bases deleted (GGAAA; older notation c.638_642delGGAAA).
Protein change: p.Arg213fs; shifts the reading frame from arginine 213.
Molecular consequence: frameshift variant.
Genome position (GRCh38, 1-based): chr3:87,261,296-87,261,300, TTTCC deleted on the plus strand (GGAAA on the coding strand, the reverse complement: POU1F1 is on the minus strand); deleting any 5 consecutive bases within chr3:87,261,296-87,261,304 gives the same sequence; the c. name uses the placement nearest the transcript's 3' end. VCF-style (leftmost placement, unchanged base first): chr3-87261295-TTTTCC-T. GRCh37 (hg19) VCF-style: chr3-87310445-TTTTCC-T.
Other names: c.716_720del, p.Arg239fs (NM_001122757.3); short protein forms R239fs, R213fs.
Identifiers: ClinVar variation 254175 (VCV000254175.4), dbSNP rs772390221, ClinGen allele CA2501129.

ClinVar aggregate classification (germline): Likely pathogenic. Review status: criteria provided, single submitter (1 of 4 stars). 2 submissions from 2 submitters: Likely pathogenic (1). 1 of the submissions does not count toward it. Last evaluated 2019-03-15.

Conditions:
Pituitary hormone deficiency, combined, 1 (CPHD1). Also called: Pituitary hormone deficiency, combined or isolated, 1. Identifiers: MedGen C2751608, MONDO:0024464, OMIM 613038.

Submissions (2):

Foundation for Research in Genetics and Endocrinology, FRIGE's Institute of Human Genetics
Classification: Likely pathogenic for Pituitary hormone deficiency, combined, 1. Last evaluated: 2019-03-15. Review status: criteria provided, single submitter. Criteria: ACMG Guidelines, 2015. Collection method: clinical testing. Allele origin: germline. Inheritance: Autosomal recessive inheritance. Affected: yes. Observed: 1 homozygote.
Comment: The said variant is not reported in the 1000 genomes but it has a minor allele frequency of 0.004% in the ExAC database. In-Silico prediction of the variant is damaging by MutationTaster2. In summary, the Arg239LysfsTer12 variant meets our criteria to be classified as likely pathogenic.

Endocrinology Clinic, Seth G.S. Medical College
Classification: Pathogenic for Pituitary hormone deficiency, combined, 1. Last evaluated: 2011-11-10. Review status: no assertion criteria provided. Collection method: case-control. Allele origin: germline. Inheritance: Autosomal recessive inheritance. Affected: yes. Observed: 1 homozygote. Not counted in ClinVar's aggregate classification.